The following is an entry in ClinVar:

ClinVar aggregate classification (germline): Likely benign (1 of 4 stars; one submission).

gnomAD v4.1: 171 of 1,612,684 alleles (0.011%); highest among the groups gnomAD compares: South Asian, 0.091%; 2 homozygotes.

Submission:

Mayo Clinic Laboratories, Mayo Clinic
Classification: Likely benign. Last evaluated: 2025-08-13. Review status: criteria provided, single submitter. Criteria: ACMG Guidelines, 2015. Collection method: clinical testing. Allele origin: germline. Observed: 1 variant allele.
Comment: BP4, BP7

NM_003560.4(PLA2G6):c.-8C>T

Gene: PLA2G6 (phospholipase A2 group VI; minus strand). Cytogenetic location: 22q13.1.
Variant type: single nucleotide variant.
Coding change: c.-8C>T on transcript NM_003560.4 (MANE Select); 8 bases upstream of the start codon, C replaced by T.
Molecular consequence: 5 prime UTR variant.
Genome position (GRCh38, 1-based): chr22:38,169,434, G>A on the plus strand (C>T on the coding strand, the complement: PLA2G6 is on the minus strand). VCF-style: chr22-38169434-G-A. GRCh37 (hg19) VCF-style: chr22-38565441-G-A.
Other names: c.-8C>T (NM_001004426.3, NM_001199562.3, NM_001349864.2 and 2 more transcripts); c.-673C>T (NM_001349867.2, NM_001349869.2); c.-498C>T (NM_001349868.2).
Identifiers: ClinVar variation 4684489 (VCV004684489.1).